The following is an entry in ClinVar:

NM_000138.5(FBN1):c.4930C>G (p.Arg1644Gly)

Gene: FBN1 (fibrillin 1; minus strand). Cytogenetic location: 15q21.1.
Variant type: single nucleotide variant.
Coding change: c.4930C>G on transcript NM_000138.5 (MANE Select); coding-DNA position 4930, C replaced by G.
Protein change: p.Arg1644Gly; replaces arginine 1644 with glycine.
Molecular consequence: missense variant.
Genome position (GRCh38, 1-based): chr15:48,465,580, G>C on the plus strand (C>G on the coding strand, the complement: FBN1 is on the minus strand). VCF-style: chr15-48465580-G-C. GRCh37 (hg19) VCF-style: chr15-48757777-G-C.
Other names: short protein forms R1644G.
Identifiers: ClinVar variation 1171646 (VCV001171646.4), dbSNP rs140630, ClinGen allele CA392351073.

ClinVar aggregate classification (germline): Uncertain significance (1 of 4 stars; one submission).

Conditions:
Familial thoracic aortic aneurysm and aortic dissection (TAAD). Also called: Thoracic aortic aneurysms and dissections. Identifiers: Orphanet 91387, MedGen C4707243, MONDO:0019625.

Submission:

Color Diagnostics, LLC DBA Color Health
Classification: Uncertain significance for Familial thoracic aortic aneurysm and aortic dissection. Last evaluated: 2022-03-03. Review status: criteria provided, single submitter. Criteria: ACMG Guidelines, 2015. Collection method: clinical testing. Allele origin: germline.
Comment: This missense variant replaces arginine with glycine at codon 1644 of the FBN1 protein. Computational prediction is inconclusive regarding the impact of this variant on protein structure and function (internally defined REVEL score threshold 0.5 < inconclusive < 0.7, PMID: 27666373). To our knowledge, functional studies have not been reported for this variant. This variant has not been reported in individuals affected with cardiovascular disorders in the literature. This variant has not been identified in the general population by the Genome Aggregation Database (gnomAD). The available evidence is insufficient to determine the role of this variant in disease conclusively. Therefore, this variant is classified as a Variant of Uncertain Significance.